The following is an entry in ClinVar:

ClinVar aggregate classification (germline): Uncertain significance (1 of 4 stars; one submission).

gnomAD v4.1: 7 of 1,577,946 alleles (0.00044%); highest among the groups gnomAD compares: Admixed American, 0.011%; no homozygotes.

Submission:

Ambry Genetics
Classification: Uncertain significance. Last evaluated: 2024-11-25. Review status: criteria provided, single submitter. Criteria: Ambry Variant Classification Scheme 2023. Collection method: clinical testing. Allele origin: germline.
Comment: The p.P1630S variant (also known as c.4888C>T), located in coding exon 20 of the WNK2 gene, results from a C to T substitution at nucleotide position 4888. The proline at codon 1630 is replaced by serine, an amino acid with similar properties. This amino acid position is conserved. In addition, this alteration is predicted to be tolerated by in silico analysis. Based on the available evidence, the clinical significance of this variant remains unclear.

NM_006648.4(WNK2):c.4888C>T (p.Pro1630Ser)

Gene: WNK2 (WNK lysine deficient protein kinase 2; plus strand). Cytogenetic location: 9q22.31.
Variant type: single nucleotide variant.
Coding change: c.4888C>T on transcript NM_006648.4 (MANE Select); coding-DNA position 4888, C replaced by T.
Protein change: p.Pro1630Ser; replaces proline 1630 with serine.
Molecular consequence: missense variant.
Genome position (GRCh38, 1-based): chr9:93,289,999, C>T. VCF-style: chr9-93289999-C-T. GRCh37 (hg19) VCF-style: chr9-96052281-C-T.
Other names: c.4999C>T, p.Pro1667Ser (NM_001282394.3); short protein forms P1667S, P1630S.
Identifiers: ClinVar variation 2375699 (VCV002375699.3), dbSNP rs1244732972, ClinGen allele CA374070421.
Genomic context (GRCh38, chr9:93,289,999, plus strand): 5'-AGTCTCACGGCTCTTCTCTTTTTGTGTTTCTTTCTCCAGGTGGAGAAGTCAGAACTGGCC[C>T]CCACTCGAGGGGCCGTGATGGAGCAGGGCACGTCCTCGTCAATGACAGGTAACAGCTTCC-3'
Protein context (NP_006639.3, residues 1620-1640): QPLVEKSELA[Pro1630Ser]TRGAVMEQGT